The following is an entry in ClinVar:

ClinVar aggregate classification (germline): Benign/Likely benign. Review status: criteria provided, multiple submitters, no conflicts (2 of 4 stars). 2 submissions from 2 submitters: Benign (1); Likely benign (1). Last evaluated 2026-03-01.

Allele frequency attached by ClinVar (database versions not stated): gnomAD exomes 0.00015 and 0.00040; ExAC 0.00062; 1000 Genomes Project 30x 0.00094; 1000 Genomes Project 0.00100; gnomAD 0.00143 and 0.00160; TOPMed 0.00166; ESP Exome Variant Server 0.00177.
gnomAD v4.1: 452 of 1,609,710 alleles (0.028%); highest among the groups gnomAD compares: African/African-American, 0.47%; 2 homozygotes.

Submissions (2):

CeGaT Center for Human Genetics Tuebingen
Classification: Likely benign. Last evaluated: 2026-03-01. Review status: criteria provided, single submitter. Criteria: CeGaT Center For Human Genetics Tuebingen Variant Classification Criteria Version 2. Collection method: clinical testing. Allele origin: germline. Affected: yes. Observed: 2 variant alleles.
Comment: CHD3: BP4, BP7, BS1

Labcorp Genetics (formerly Invitae), Labcorp
Classification: Benign. Last evaluated: 2018-07-16. Review status: criteria provided, single submitter. Criteria: Invitae Variant Classification Sherloc (09022015). Collection method: clinical testing. Allele origin: germline.

NM_001005273.3(CHD3):c.297G>A (p.Pro99=)

Gene: CHD3 (chromodomain helicase DNA binding protein 3; plus strand). Cytogenetic location: 17p13.1.
Variant type: single nucleotide variant.
Coding change: c.297G>A on transcript NM_001005273.3 (MANE Select); coding-DNA position 297, G replaced by A.
Protein change: p.Pro99=; no amino-acid change (proline 99 retained).
Molecular consequence: synonymous variant.
Genome position (GRCh38, 1-based): chr17:7,890,654, G>A. VCF-style: chr17-7890654-G-A. GRCh37 (hg19) VCF-style: chr17-7793972-G-A.
Other names: c.474G>A, p.Pro158= (NM_001005271.3); c.297G>A, p.Pro99= (NM_005852.4).
Identifiers: ClinVar variation 733748 (VCV000733748.27), dbSNP rs116087083, ClinGen allele CA8362337.